The following is an entry in ClinVar:

NM_019892.6(INPP5E):c.-27C>T

Gene: INPP5E (inositol polyphosphate-5-phosphatase E; minus strand). Cytogenetic location: 9q34.3.
Variant type: single nucleotide variant.
Coding change: c.-27C>T on transcript NM_019892.6 (MANE Select); 27 bases upstream of the start codon, C replaced by T.
Molecular consequence: 5 prime UTR variant.
Genome position (GRCh38, 1-based): chr9:136,439,446, G>A on the plus strand (C>T on the coding strand, the complement: INPP5E is on the minus strand). VCF-style: chr9-136439446-G-A. GRCh37 (hg19) VCF-style: chr9-139333898-G-A.
Other names: c.-27C>T (NM_001318502.2).
Identifiers: ClinVar variation 3357106 (VCV003357106.1).
Genomic context (GRCh38, chr9:136,439,446, plus strand): 5'-CGGAGGGCCGCAGATTCTCCGCCTTGGACGGCATGGACGGTCTCTCCCGGGGCAGGCCTC[G>A]GCGCGAGGCCGCAGGCAGCGCGAGGGGTCACGGGTGCCGGGTCCGGGGTCGCCGGCGCAG-3'

ClinVar aggregate classification (germline): Likely benign (0 of 4 stars; one submission).

Conditions:
INPP5E-related disorder. Also called: INPP5E-related condition.

gnomAD v4.1: 9 of 1,426,346 alleles (0.00063%); highest among the groups gnomAD compares: African/African-American, 0.013%; no homozygotes.

Submission:

PreventionGenetics, part of Exact Sciences
Classification: Likely benign for INPP5E-related condition. Last evaluated: 2021-12-12. Review status: no assertion criteria provided. Collection method: clinical testing. Allele origin: germline.
Comment: This variant is classified as likely benign based on ACMG/AMP sequence variant interpretation guidelines (Richards et al. 2015 PMID: 25741868, with internal and published modifications).